The following is an entry in ClinVar:

NM_021930.6(RINT1):c.887T>C (p.Leu296Pro)

Gene: RINT1 (RAD50 interactor 1; plus strand). Cytogenetic location: 7q22.3.
Variant type: single nucleotide variant.
Coding change: c.887T>C on transcript NM_021930.6 (MANE Select); coding-DNA position 887, T replaced by C.
Protein change: p.Leu296Pro; replaces leucine 296 with proline.
Molecular consequence: missense variant. On other transcripts: 5 prime UTR variant (2), non-coding transcript variant (1), intron variant (1).
Genome position (GRCh38, 1-based): chr7:105,548,601, T>C. VCF-style: chr7-105548601-T-C. GRCh37 (hg19) VCF-style: chr7-105189048-T-C.
Other names: c.653T>C, p.Leu218Pro (NM_001346599.2); c.-133T>C (NM_001346600.2); c.-38T>C (NM_001346601.2); c.-27-1454T>C (NM_001346603.2); short protein forms L296P, L218P.
Identifiers: ClinVar variation 5028289 (VCV005028289.1).

ClinVar aggregate classification (germline): Uncertain significance (1 of 4 stars; one submission).

Submission:

Ambry Genetics
Classification: Uncertain significance. Last evaluated: 2026-08-05. Review status: criteria provided, single submitter. Criteria: Ambry Variant Classification Scheme 2023. Collection method: clinical testing. Allele origin: germline.
Comment: The p.L296P variant (also known as c.887T>C), located in coding exon 7 of the RINT1 gene, results from a T to C substitution at nucleotide position 887. The leucine at codon 296 is replaced by proline, an amino acid with similar properties. This amino acid position is conserved. In addition, the in silico prediction for this alteration is inconclusive. Based on the available evidence, the clinical significance of this variant remains unclear.